The following is an entry in ClinVar:

NM_002055.5(GFAP):c.765G>C (p.Glu255Asp)

Gene: GFAP (glial fibrillary acidic protein; minus strand). Cytogenetic location: 17q21.31.
Variant type: single nucleotide variant.
Coding change: c.765G>C on transcript NM_002055.5 (MANE Select); coding-DNA position 765, G replaced by C.
Protein change: p.Glu255Asp; replaces glutamic acid 255 with aspartic acid.
Molecular consequence: missense variant.
Genome position (GRCh38, 1-based): chr17:44,913,284, C>G on the plus strand (G>C on the coding strand, the complement: GFAP is on the minus strand). VCF-style: chr17-44913284-C-G. GRCh37 (hg19) VCF-style: chr17-42990652-C-G.
Other names: c.765G>C, p.Glu255Asp (NM_001131019.3, NM_001242376.3, NM_001363846.2); short protein forms E255D.
Identifiers: ClinVar variation 3603118 (VCV003603118.1).

ClinVar aggregate classification (germline): Uncertain significance (1 of 4 stars; one submission).

Submission:

GeneDx
Classification: Uncertain significance. Last evaluated: 2024-08-03. Review status: criteria provided, single submitter. Criteria: GeneDx Variant Classification Process June 2021. Collection method: clinical testing. Allele origin: germline. Affected: yes.
Comment: Not observed at significant frequency in large population cohorts (gnomAD); In silico analysis indicates that this missense variant does not alter protein structure/function; Has not been previously published as pathogenic or benign to our knowledge